The following is an entry in ClinVar:

ClinVar aggregate classification (germline): Pathogenic/Likely pathogenic. Review status: criteria provided, multiple submitters, no conflicts (2 of 4 stars). 2 submissions from 2 submitters: Pathogenic (1); Likely pathogenic (1). Last evaluated 2026-02-06.

Conditions:
Bethlem myopathy 1A. Also called: MYOPATHY, BENIGN CONGENITAL, WITH CONTRACTURES; Bethlem Muscular Dystrophy; Bethlem myopathy 1. Identifiers: Orphanet 610, MedGen CN029274, MONDO:0024530, OMIM 158810.
Collagen 6-related myopathy. Identifiers: MedGen CN117976, MONDO:0100225.

Submissions (2):

Institute of Medical Genetics and Applied Genomics, University Hospital Tübingen
Classification: Likely pathogenic for Bethlem myopathy 1A. Last evaluated: 2026-02-06. Review status: criteria provided, single submitter. Criteria: ACMG Guidelines, 2015. Collection method: clinical testing. Allele origin: germline. Inheritance: Autosomal dominant inheritance. Affected: yes.

Illumina Laboratory Services, Illumina
Classification: Pathogenic for Collagen 6-related myopathy. Last evaluated: 2021-10-01. Review status: criteria provided, single submitter. Criteria: ICSLVariantClassificationCriteria RUGD 01 April 2020. Collection method: clinical testing. Allele origin: unknown.
Comment: The COL6A1 c.824G>A (p.Gly275Glu) variant is a missense variant that has been reported in a heterozygous state in at least two studies in two individuals with Bethlem myopathy (Hicks et al. 2008; Lee et al. 2017). Alternative missense changes at the same position, p.Gly275Arg and p.Gly275Trp, are reported in at least two individuals with Bethlem myopathy (Lucioli et al. 2005; Choi et al. 2020). The p.Gly275Glu variant is not found in the Genome Aggregation Database, version 2.1.1 and version 3.1.1, in a region of good sequence coverage, so the variant is presumed to be rare. The p.Gly275Glu variant is located in the highly conserved Gly-X-Y motif of the triple helix domain of collagen type VI, and glycine-affecting missense variants in this region are a common pathogenic mechanism in collagen type VI-related disorders (Lamandé et al. 2002; Lampe et al. 2005). Based on the evidence, the p.Gly275Glu variant is classified as pathogenic for collagen type VI-related disorders.

Literature cited by the submitters: PubMed 11707460 (cited by Illumina Laboratory Services, Illumina); PubMed 15689448 (cited by Illumina Laboratory Services, Illumina); PubMed 15955946 (cited by Illumina Laboratory Services, Illumina); PubMed 18378883 (cited by Illumina Laboratory Services, Illumina); PubMed 28831785 (cited by Illumina Laboratory Services, Illumina); PubMed 32389683 (cited by Illumina Laboratory Services, Illumina).

NM_001848.3(COL6A1):c.824G>A (p.Gly275Glu)

Gene: COL6A1 (collagen type VI alpha 1 chain; plus strand). Cytogenetic location: 21q22.3.
Variant type: single nucleotide variant.
Coding change: c.824G>A on transcript NM_001848.3 (MANE Select); coding-DNA position 824, G replaced by A.
Protein change: p.Gly275Glu; replaces glycine 275 with glutamic acid.
Molecular consequence: missense variant.
Genome position (GRCh38, 1-based): chr21:45,989,103, G>A. VCF-style: chr21-45989103-G-A. GRCh37 (hg19) VCF-style: chr21-47409017-G-A.
Other names: short protein forms G275E.
Identifiers: ClinVar variation 1328167 (VCV001328167.5), dbSNP rs1556425468, ClinGen allele CA410521479.